The following is an entry in ClinVar:

NC_000017.10:g.(41215969_41219624)_(41226539_41228504)del

Gene: BRCA1 (BRCA1 DNA repair associated; minus strand). Cytogenetic location: 17q21.31.
Variant type: Deletion.
Identifiers: ClinVar variation 2637636 (VCV002637636.1).

ClinVar aggregate classification (germline): Pathogenic (1 of 4 stars; one submission).

Conditions:
Hereditary breast ovarian cancer syndrome. Also called: Hereditary breast and ovarian cancer; Hereditary breast and ovarian cancer syndrome; Hereditary breast and ovarian cancer syndrome (HBOC); Breast and ovarian cancer; Hereditary breast and/or ovarian cancer syndrome; BRCA1- and BRCA2-Associated Hereditary Breast and Ovarian Cancer. Identifiers: Orphanet 145, MedGen C0677776, MeSH D061325, MONDO:0003582. Disease mechanism: loss of function.

Submission:

Women's Health and Genetics/Laboratory Corporation of America, LabCorp
Classification: Pathogenic for Hereditary breast ovarian cancer syndrome. Last evaluated: 2023-10-09. Review status: criteria provided, single submitter. Criteria: LabCorp Variant Classification Summary - May 2015. Collection method: clinical testing. Allele origin: germline.
Comment: Variant summary: The variant identified by MLPA or other technology involves the deletion of exons 14-16 in the BRCA1 gene. A presumed nomenclature of c.(4484+1_4485-1)_(5074+1_5075-1)del has been designated for the purposes of this classification. Although exact breakpoints of this deletion are not known, it is expected to result in a frameshift in the BRCA1 gene, a known mechanism of disease. The variant was absent in 21670 control chromosomes (gnomAD Structural Variants dataset). c.(4484+1_4485-1)_(5074+1_5075-1)del has been reported in the literature in individuals affected with breast and/or ovarian cancer, and fallopian tube cancer (examples: Susswein_2016, Carter_2018, and Palmero_2018). The following publications have been ascertained in the context of this evaluation (PMID: 30322717, 6681312, 29907814). Other overlapping deletions exon 15del, exon 16del, exons 14-15del and exons 15-16del are classified pathogenic internally. One submitter has cited clinical-significance assessments for this variant to ClinVar after 2014 and has classified the variant as pathogenic. Based on the evidence outlined above, the variant was classified as pathogenic.

Literature cited by the submitters: PubMed 29907814; PubMed 30322717; PubMed 6681312.